The following is an entry in ClinVar:

NM_016222.4(DDX41):c.434+4T>C

Gene: DDX41 (DEAD-box helicase 41; minus strand). Cytogenetic location: 5q35.3.
Variant type: single nucleotide variant.
Coding change: c.434+4T>C on transcript NM_016222.4 (MANE Select); 4 bases into the intron after coding-DNA position 434, T replaced by C.
Molecular consequence: intron variant.
Genome position (GRCh38, 1-based): chr5:177,515,925, A>G on the plus strand (T>C on the coding strand, the complement: DDX41 is on the minus strand). VCF-style: chr5-177515925-A-G. GRCh37 (hg19) VCF-style: chr5-176942926-A-G.
Other names: c.56+4T>C (NM_001321830.2, NM_001321732.2).
Identifiers: ClinVar variation 4010352 (VCV004010352.1).
Genomic context (GRCh38, chr5:177,515,925, plus strand): 5'-GGCCTGGGAGCATCCCTGCATGTACCATCCTAAGCAAGGGCAACTGCAGACTGTACAGAC[A>G]TACCTGGTTTTGATGGGGTCATCATACGTAATGCCCTTAGCCATCTCCTTCACTGACATC-3'

ClinVar aggregate classification (germline): Uncertain significance (1 of 4 stars; one submission).

Conditions:
Inborn genetic diseases. Identifiers: MedGen C0950123, MeSH D030342.

gnomAD v4.1: 1 of 1,614,204 alleles (0.000062%); highest among the groups gnomAD compares: Non-Finnish European, 0.000085%; no homozygotes.

Submission:

Ambry Genetics
Classification: Uncertain significance for Inborn genetic diseases. Last evaluated: 2025-05-23. Review status: criteria provided, single submitter. Criteria: Ambry Variant Classification Scheme 2023. Collection method: clinical testing. Allele origin: germline.
Comment: The c.434+4T>C intronic variant results from a T to C substitution 4 nucleotides after coding exon 5 in the DDX41 gene. This nucleotide position is not well conserved in available vertebrate species. In silico splice site analysis predicts that this alteration will not have any significant effect on splicing. Based on the available evidence, the clinical significance of this variant remains unclear.